The following is an entry in ClinVar:

NM_002485.5(NBN):c.742G>T (p.Glu248Ter)

Gene: NBN (nibrin; minus strand). Cytogenetic location: 8q21.3.
Variant type: single nucleotide variant.
Coding change: c.742G>T on transcript NM_002485.5 (MANE Select); coding-DNA position 742, G replaced by T.
Protein change: p.Glu248Ter; replaces glutamic acid 248 with a stop codon.
Molecular consequence: nonsense.
Genome position (GRCh38, 1-based): chr8:89,970,518, C>A on the plus strand (G>T on the coding strand, the complement: NBN is on the minus strand). VCF-style: chr8-89970518-C-A. GRCh37 (hg19) VCF-style: chr8-90982746-C-A.
Other names: c.496G>T, p.Glu166Ter (NM_001024688.3); short protein forms E248*, E166*.
Identifiers: ClinVar variation 1431571 (VCV001431571.7), dbSNP rs1811464271, ClinGen allele CA371658809.
Genomic context (GRCh38, chr8:89,970,518, plus strand): 5'-TTCCCGGAGCCAAAAAGAAATTATGTTCTTCTTCATTCTCTTCTGTTATCAACCTAGCTT[C>A]CCCACCTCCAAAGACAACTGCGGAACTCAATTTCTTATGCTAAAAATGGAAGGAAACATT-3'

ClinVar aggregate classification (germline): Pathogenic. Review status: criteria provided, multiple submitters, no conflicts (2 of 4 stars). 2 submissions from 2 submitters: Pathogenic (2). Last evaluated 2024-05-08.

Conditions:
Microcephaly, normal intelligence and immunodeficiency (NBS). Also called: SEEMANOVA SYNDROME II; Ataxia telangiectasia variant V1; Immunodeficiency, microcephaly with normal intelligence; Nijmegen breakage syndrome; Microcephaly with normal intelligence immunodeficiency and lymphoreticular malignancies; Nonsyndromal microcephaly autosomal recessive with normal intelligence. Identifiers: Orphanet 647, MedGen C0398791, MONDO:0009623, OMIM 251260.

Submissions (2):

Myriad Genetics, Inc.
Classification: Pathogenic for Microcephaly, normal intelligence and immunodeficiency. Last evaluated: 2024-05-08. Review status: criteria provided, single submitter. Criteria: Myriad Autosomal Dominant, Autosomal Recessive and X-Linked Classification Criteria (2023). Collection method: clinical testing. Allele origin: unknown.
Comment: NM_002485.4(NBN):c.742G>T(E248*) is expected to be pathogenic in the context of Nijmegen breakage syndrome. This variant is predicted to lead to an abnormal or absent protein product due to the creation of a premature termination codon in NBN, a gene where loss-of-function variants are known to be pathogenic. Please note: this variant was assessed in the context of healthy population screening.

Labcorp Genetics (formerly Invitae), Labcorp
Classification: Pathogenic for Microcephaly, normal intelligence and immunodeficiency. Last evaluated: 2021-08-23. Review status: criteria provided, single submitter. Criteria: Invitae Variant Classification Sherloc (09022015). Collection method: clinical testing. Allele origin: germline.
Comment: This sequence change creates a premature translational stop signal (p.Glu248*) in the NBN gene. It is expected to result in an absent or disrupted protein product. Loss-of-function variants in NBN are known to be pathogenic (PMID: 9590180, 16415040). This variant is not present in population databases (ExAC no frequency). This variant has not been reported in the literature in individuals affected with NBN-related conditions. Algorithms developed to predict the effect of sequence changes on RNA splicing suggest that this variant may create or strengthen a splice site. For these reasons, this variant has been classified as Pathogenic.

Literature cited by the submitters: PubMed 9590180 (cited by Labcorp Genetics (formerly Invitae), Labcorp); PubMed 16415040 (cited by Labcorp Genetics (formerly Invitae), Labcorp).